The following is an entry in ClinVar:

NM_005902.4(SMAD3):c.769G>A (p.Val257Met)

Gene: SMAD3 (SMAD family member 3; plus strand). Cytogenetic location: 15q22.33.
Variant type: single nucleotide variant.
Coding change: c.769G>A on transcript NM_005902.4 (MANE Select); coding-DNA position 769, G replaced by A.
Protein change: p.Val257Met; replaces valine 257 with methionine.
Molecular consequence: missense variant.
Genome position (GRCh38, 1-based): chr15:67,181,351, G>A. VCF-style: chr15-67181351-G-A. GRCh37 (hg19) VCF-style: chr15-67473689-G-A.
Other names: c.454G>A, p.Val152Met (NM_001145102.2); c.637G>A, p.Val213Met (NM_001145103.2); c.184G>A, p.Val62Met (NM_001145104.2); short protein forms V152M, V213M, V257M, V62M.
Identifiers: ClinVar variation 1041562 (VCV001041562.10), dbSNP rs1963049659, ClinGen allele CA392956227.

ClinVar aggregate classification (germline): Uncertain significance (1 of 4 stars; one submission).

Conditions:
Familial thoracic aortic aneurysm and aortic dissection (TAAD). Also called: Thoracic aortic aneurysms and dissections. Identifiers: Orphanet 91387, MedGen C4707243, MONDO:0019625.

Submission:

Labcorp Genetics (formerly Invitae), Labcorp
Classification: Uncertain significance for Familial thoracic aortic aneurysm and aortic dissection. Last evaluated: 2022-07-12. Review status: criteria provided, single submitter. Criteria: Invitae Variant Classification Sherloc (09022015). Collection method: clinical testing. Allele origin: germline.
Comment: In summary, the available evidence is currently insufficient to determine the role of this variant in disease. Therefore, it has been classified as a Variant of Uncertain Significance. Advanced modeling of protein sequence and biophysical properties (such as structural, functional, and spatial information, amino acid conservation, physicochemical variation, residue mobility, and thermodynamic stability) performed at Invitae indicates that this missense variant is expected to disrupt SMAD3 protein function. ClinVar contains an entry for this variant (Variation ID: 1041562). This variant has not been reported in the literature in individuals affected with SMAD3-related conditions. This variant is not present in population databases (gnomAD no frequency). This sequence change replaces valine, which is neutral and non-polar, with methionine, which is neutral and non-polar, at codon 257 of the SMAD3 protein (p.Val257Met).